The following is an entry in ClinVar:

NM_000540.3(RYR1):c.9559C>T (p.Arg3187Trp)

Gene: RYR1 (ryanodine receptor 1; plus strand). Cytogenetic location: 19q13.2.
Variant type: single nucleotide variant.
Coding change: c.9559C>T on transcript NM_000540.3 (MANE Select); coding-DNA position 9559, C replaced by T.
Protein change: p.Arg3187Trp; replaces arginine 3187 with tryptophan.
Molecular consequence: missense variant.
Genome position (GRCh38, 1-based): chr19:38,516,091, C>T. VCF-style: chr19-38516091-C-T. GRCh37 (hg19) VCF-style: chr19-39006731-C-T.
Other names: c.9559C>T, p.Arg3187Trp (NM_001042723.2); short protein forms R3187W.
Identifiers: ClinVar variation 979083 (VCV000979083.6), dbSNP rs1376794459, ClinGen allele CA405689956.

ClinVar aggregate classification (germline): Uncertain significance. Review status: criteria provided, multiple submitters, no conflicts (2 of 4 stars). 4 submissions from 4 submitters: Uncertain significance (4). Last evaluated 2024-08-06.

Conditions:
King Denborough syndrome (KDS). Identifiers: MedGen C1840365, MONDO:0020485, OMIM 619542.
Malignant hyperthermia, susceptibility to, 1 (MHS1). Also called: Anesthesia related hyperthermia; Malignant hyperpyrexia; Fulminating hyperpyrexia; Pharmacogenic myopathy; Malignant hyperthermia suceptibility 1; RYR1-Related Malignant Hyperthermia Susceptibility. Identifiers: Orphanet 423, MedGen C2930980, MONDO:0007783, OMIM 145600.
Congenital multicore myopathy with external ophthalmoplegia (CMYO1B). Also called: Minicore myopathy with external ophthalmoplegia; Congenital myopathy 1B, autosomal recessive; Minicore myopathy; MULTICORE MYOPATHY; MULTIMINICORE DISEASE WITH EXTERNAL OPHTHALMOPLEGIA. Identifiers: Orphanet 598, Orphanet 98905, MedGen C1850674, MONDO:0009712, OMIM 255320, HP:0003789.
Congenital myopathy with fiber type disproportion. Also called: Congenital fiber-type disproportion myopathy; Congenital fiber-type disproportion. Identifiers: Orphanet 2020, MedGen C0546264, MONDO:0009711. Inheritance: all.
Central core myopathy (CMYO1A). Also called: CONGENITAL MYOPATHY 1A, AUTOSOMAL DOMINANT, WITH SUSCEPTIBILITY TO MALIGNANT HYPERTHERMIA; Central core disease; Myopathy, central fibrillar. Identifiers: Orphanet 597, MedGen C5830701, MONDO:0007294, OMIM 117000.

Allele frequency attached by ClinVar (database versions not stated): gnomAD 0.00001; gnomAD exomes 0.00001; TOPMed 0.00002.
gnomAD v4.1: 15 of 1,548,278 alleles (0.00097%); highest among the groups gnomAD compares: African/African-American, 0.0014%; no homozygotes.

Submissions (4):

All of Us Research Program, National Institutes of Health
Classification: Uncertain significance for Malignant hyperthermia, susceptibility to, 1. Last evaluated: 2024-08-06. Review status: criteria provided, single submitter. Criteria: ACMG Guidelines, 2015. Collection method: clinical testing. Allele origin: germline. Inheritance: Autosomal dominant inheritance. Observed: 1 variant allele, 1 heterozygote.
Comment: This study involves interpretation of variants in research participants for the purpose of population health screening. Participant phenotype was not available at the time of variant classification. Additional details can be found in publication PMID: 35346344, PMCID: PMC8962531

Revvity Omics, Revvity
Classification: Uncertain significance. Last evaluated: 2022-11-24. Review status: criteria provided, single submitter. Criteria: ACMG Guidelines, 2015. Collection method: clinical testing. Allele origin: germline.

Fulgent Genetics
Classification: Uncertain significance for Central core myopathy; Malignant hyperthermia, susceptibility to, 1; Congenital myopathy 4A, autosomal dominant; Congenital multicore myopathy with external ophthalmoplegia; King Denborough syndrome. Last evaluated: 2022-01-08. Review status: criteria provided, single submitter. Criteria: ACMG Guidelines, 2015. Collection method: clinical testing. Allele origin: unknown.

Human Genome Sequencing Center Clinical Lab, Baylor College of Medicine
Classification: Uncertain significance for Malignant hyperthermia suceptibility 1. Review status: criteria provided, single submitter. Criteria: ACMG Guidelines, 2015. Collection method: clinical testing. Allele origin: germline.